The following is an entry in ClinVar:

NM_001099403.2(PRDM8):c.620G>A (p.Gly207Asp)

Gene: PRDM8 (PR/SET domain 8; plus strand). Cytogenetic location: 4q21.21.
Variant type: single nucleotide variant.
Coding change: c.620G>A on transcript NM_001099403.2 (MANE Select); coding-DNA position 620, G replaced by A.
Protein change: p.Gly207Asp; replaces glycine 207 with aspartic acid.
Molecular consequence: missense variant.
Genome position (GRCh38, 1-based): chr4:80,202,082, G>A. VCF-style: chr4-80202082-G-A. GRCh37 (hg19) VCF-style: chr4-81123236-G-A.
Other names: c.620G>A, p.Gly207Asp (NM_020226.4); short protein forms G207D.
Identifiers: ClinVar variation 1434390 (VCV001434390.8), dbSNP rs764059996, ClinGen allele CA2982288.
Genomic context (GRCh38, chr4:80,202,082, plus strand): 5'-TAAGTCCCCAAGACGAACAAGGCGGCGGCGTGGGCACCAAGGACCACGGGGGCGGCGGCG[G>A]CGGTGGCAAAGACCAGCAGCAGCAGCAGCAGGAGGCACCTTTAGGCCCGGGTCCCAAGTT-3'
Protein context (NP_001092873.1, residues 197-217): VGTKDHGGGG[Gly207Asp]GGKDQQQQQQ

ClinVar aggregate classification (germline): Uncertain significance (1 of 4 stars; one submission).

Conditions:
Early-onset Lafora body disease. Also called: Epilepsy, progressive myoclonic, 10. Identifiers: Orphanet 324290, MedGen C4225258, MONDO:0014717, OMIM 616640.

Allele frequency attached by ClinVar (database versions not stated): gnomAD exomes below 0.00001; ExAC 0.00001.
gnomAD v4.1: 2 of 1,612,932 alleles (0.00012%); highest among the groups gnomAD compares: South Asian, 0.0011%; no homozygotes.

Submission:

Labcorp Genetics (formerly Invitae), Labcorp
Classification: Uncertain significance for Early-onset Lafora body disease. Last evaluated: 2021-02-24. Review status: criteria provided, single submitter. Criteria: Invitae Variant Classification Sherloc (09022015). Collection method: clinical testing. Allele origin: germline.
Comment: In summary, the available evidence is currently insufficient to determine the role of this variant in disease. Therefore, it has been classified as a Variant of Uncertain Significance. Algorithms developed to predict the effect of missense changes on protein structure and function are either unavailable or do not agree on the potential impact of this missense change (SIFT: "Deleterious"; PolyPhen-2: "Probably Damaging"; Align-GVGD: "Class C0"). This variant has not been reported in the literature in individuals with PRDM8-related conditions. This variant is present in population databases (rs764059996, ExAC 0.006%). This sequence change replaces glycine with aspartic acid at codon 207 of the PRDM8 protein (p.Gly207Asp). The glycine residue is moderately conserved and there is a moderate physicochemical difference between glycine and aspartic acid.